The following is an entry in ClinVar:

NM_002204.4(ITGA3):c.1825-3C>G

Gene: ITGA3 (integrin subunit alpha 3; plus strand). Cytogenetic location: 17q21.33.
Variant type: single nucleotide variant.
Coding change: c.1825-3C>G on transcript NM_002204.4 (MANE Select); 3 bases into the intron before coding-DNA position 1825, C replaced by G.
Molecular consequence: intron variant.
Genome position (GRCh38, 1-based): chr17:50,076,581, C>G. VCF-style: chr17-50076581-C-G. GRCh37 (hg19) VCF-style: chr17-48153945-C-G.
Identifiers: ClinVar variation 4729177 (VCV004729177.1).

ClinVar aggregate classification (germline): Uncertain significance (1 of 4 stars; one submission).

Submission:

Labcorp Genetics (formerly Invitae), Labcorp
Classification: Uncertain significance. Last evaluated: 2025-12-24. Review status: criteria provided, single submitter. Criteria: Invitae Variant Classification Sherloc (09022015). Collection method: clinical testing. Allele origin: germline.
Comment: This sequence change falls in intron 13 of the ITGA3 gene. It does not directly change the encoded amino acid sequence of the ITGA3 protein. It affects a nucleotide within the consensus splice site. This variant is not present in population databases (gnomAD no frequency). This variant has not been reported in the literature in individuals affected with ITGA3-related conditions. Variants that disrupt the consensus splice site are a relatively common cause of aberrant splicing (PMID: 17576681, 9536098). Algorithms developed to predict the effect of sequence changes on RNA splicing suggest that this variant may disrupt the consensus splice site. In summary, the available evidence is currently insufficient to determine the role of this variant in disease. Therefore, it has been classified as a Variant of Uncertain Significance.

Literature cited by the submitters: PubMed 17576681; PubMed 9536098.